The following is an entry in ClinVar:

NM_003890.3(FCGBP):c.4800C>A (p.Val1600=)

Gene: FCGBP (Fc gamma binding protein; minus strand). Cytogenetic location: 19q13.2.
Variant type: single nucleotide variant.
Coding change: c.4800C>A on transcript NM_003890.3 (MANE Select); coding-DNA position 4800, C replaced by A.
Protein change: p.Val1600=; no amino-acid change (valine 1600 retained).
Molecular consequence: synonymous variant.
Identifiers: ClinVar variation 2649860 (VCV002649860.19), dbSNP rs1599915351, ClinGen allele CA507382868.
Protein context (NP_003881.2, residues 1590-1610): NGVYYEPEQT[Val1600=]LIDNCRQQCT

ClinVar aggregate classification (germline): Likely benign (1 of 4 stars; one submission).

Submission:

CeGaT Center for Human Genetics Tuebingen
Classification: Likely benign. Last evaluated: 2023-01-01. Review status: criteria provided, single submitter. Criteria: CeGaT Center For Human Genetics Tuebingen Variant Classification Criteria Version 2. Collection method: clinical testing. Allele origin: germline. Affected: yes. Observed: 1 variant allele.
Comment: FCGBP: PM2:Supporting, BP4, BP7